The following is an entry in ClinVar:

NM_000744.7(CHRNA4):c.1758+9C>T

Gene: CHRNA4 (cholinergic receptor nicotinic alpha 4 subunit; minus strand). Cytogenetic location: 20q13.33.
Variant type: single nucleotide variant.
Coding change: c.1758+9C>T on transcript NM_000744.7 (MANE Select); 9 bases into the intron after coding-DNA position 1758, C replaced by T.
Molecular consequence: intron variant.
Genome position (GRCh38, 1-based): chr20:63,349,644, G>A on the plus strand (C>T on the coding strand, the complement: CHRNA4 is on the minus strand). VCF-style: chr20-63349644-G-A. GRCh37 (hg19) VCF-style: chr20-61980996-G-A.
Other names: c.1230+9C>T (NM_001256573.2).
Identifiers: ClinVar variation 381055 (VCV000381055.11), dbSNP rs202235637, ClinGen allele CA9957529.
Genomic context (GRCh38, chr20:63,349,644, plus strand): 5'-AGGAAGAAAGGGCGTCCGCCGGTTCCGTCTGGGTCAGAGGCGCCCAACACAGCCATGGGC[G>A]GGACTTACCGAGAAGTCTGTGTCTTCGGCCTTCAGGTGGTCTGCAATGTACTGGACGCCC-3'

ClinVar aggregate classification (germline): Likely benign. Review status: criteria provided, multiple submitters, no conflicts (2 of 4 stars). 2 submissions from 2 submitters: Likely benign (2). Last evaluated 2026-01-05.

Conditions:
Familial sleep-related hypermotor epilepsy. Also called: Autosomal Dominant Sleep-Related Hypermotor (Hyperkinetic) Epilepsy. Identifiers: Orphanet 98784, MedGen C3696898, MONDO:0000030.

Allele frequency attached by ClinVar (database versions not stated): gnomAD 0.00009 and 0.00011; TOPMed 0.00011; ExAC 0.00007.
gnomAD v4.1: 46 of 1,612,624 alleles (0.0029%); highest among the groups gnomAD compares: African/African-American, 0.037%; no homozygotes.

Submissions (2):

Labcorp Genetics (formerly Invitae), Labcorp
Classification: Likely benign. Last evaluated: 2026-01-05. Review status: criteria provided, single submitter. Criteria: Invitae Variant Classification Sherloc (09022015). Collection method: clinical testing. Allele origin: germline.

GeneDx
Classification: Likely benign. Last evaluated: 2016-12-06. Review status: criteria provided, single submitter. Criteria: GeneDx Variant Classification (06012015). Collection method: clinical testing. Allele origin: germline. Affected: yes.
Comment: This variant is considered likely benign or benign based on one or more of the following criteria: it is a conservative change, it occurs at a poorly conserved position in the protein, it is predicted to be benign by multiple in silico algorithms, and/or has population frequency not consistent with disease.